The following is an entry in ClinVar:

NM_001365999.1(SZT2):c.8593C>T (p.Pro2865Ser)

Gene: SZT2 (SZT2 subunit of KICSTOR complex; plus strand). Cytogenetic location: 1p34.2.
Variant type: single nucleotide variant.
Coding change: c.8593C>T on transcript NM_001365999.1 (MANE Select); coding-DNA position 8593, C replaced by T.
Protein change: p.Pro2865Ser; replaces proline 2865 with serine.
Molecular consequence: missense variant.
Genome position (GRCh38, 1-based): chr1:43,443,445, C>T. VCF-style: chr1-43443445-C-T. GRCh37 (hg19) VCF-style: chr1-43909116-C-T.
Other names: c.8422C>T, p.Pro2808Ser (NM_015284.4); short protein forms P2808S, P2865S.
Identifiers: ClinVar variation 842414 (VCV000842414.12), dbSNP rs146439294, ClinGen allele CA810605.
Genomic context (GRCh38, chr1:43,443,445, plus strand): 5'-CGCCTGGTGCATTACTGTGCAACAGCCATGCTCTTCGACCCAGCTGCCTGGCTGCATGGG[C>T]CCCCAGAGACCTCTGGACCCCCTGACGGGCAGGTAAGGCTGACTCCCAGACTTCTAGCAG-3'
Protein context (NP_001352928.1, residues 2855-2875): LFDPAAWLHG[Pro2865Ser]PETSGPPDGQ

ClinVar aggregate classification (germline): Conflicting classifications of pathogenicity. Review status: criteria provided, conflicting classifications (1 of 4 stars). 4 submissions from 4 submitters: Uncertain significance (3); Likely benign (1). Last evaluated 2025-04-15.

Conditions:
Inborn genetic diseases. Identifiers: MedGen C0950123, MeSH D030342.
Developmental and epileptic encephalopathy, 18 (DEE18). Also called: Early infantile epileptic encephalopathy 18. Identifiers: Orphanet 369894, MedGen C3809624, MONDO:0014201, OMIM 615476.

Allele frequency attached by ClinVar (database versions not stated): TOPMed 0.00003; ESP Exome Variant Server 0.00008.
gnomAD v4.1: 8 of 1,614,086 alleles (0.0005%); highest among the groups gnomAD compares: African/African-American, 0.004%; no homozygotes.

Submissions (4):

Ambry Genetics
Classification: Uncertain significance for Inborn genetic diseases. Last evaluated: 2025-04-15. Review status: criteria provided, single submitter. Criteria: Ambry Variant Classification Scheme 2023. Collection method: clinical testing. Allele origin: germline.

Labcorp Genetics (formerly Invitae), Labcorp
Classification: Uncertain significance. Last evaluated: 2024-02-17. Review status: criteria provided, single submitter. Criteria: Invitae Variant Classification Sherloc (09022015). Collection method: clinical testing. Allele origin: germline.
Comment: This sequence change replaces proline, which is neutral and non-polar, with serine, which is neutral and polar, at codon 2808 of the SZT2 protein (p.Pro2808Ser). The frequency data for this variant in the population databases is considered unreliable, as metrics indicate poor data quality at this position in the gnomAD database. This variant has not been reported in the literature in individuals affected with SZT2-related conditions. ClinVar contains an entry for this variant (Variation ID: 842414). Advanced modeling of protein sequence and biophysical properties (such as structural, functional, and spatial information, amino acid conservation, physicochemical variation, residue mobility, and thermodynamic stability) performed at Invitae indicates that this missense variant is not expected to disrupt SZT2 protein function with a negative predictive value of 80%. In summary, the available evidence is currently insufficient to determine the role of this variant in disease. Therefore, it has been classified as a Variant of Uncertain Significance.

Genome-Nilou Lab
Classification: Uncertain significance for Developmental and epileptic encephalopathy, 18. Last evaluated: 2023-04-11. Review status: criteria provided, single submitter. Criteria: ACMG Guidelines, 2015. Collection method: clinical testing. Allele origin: germline. Affected: no.

Blueprint Genetics
Classification: Likely benign. Last evaluated: 2020-12-31. Review status: criteria provided, single submitter. Criteria: ACMG Guidelines, 2015. Collection method: clinical testing. Allele origin: germline.